The following is an entry in ClinVar:

ClinVar aggregate classification (germline): Likely benign (0 of 4 stars; one submission).

Conditions:
PLXNA2-related disorder. Also called: PLXNA2-related condition.

gnomAD v4.1: 1 of 1,614,150 alleles (0.000062%); highest among the groups gnomAD compares: Non-Finnish European, 0.000085%; no homozygotes.

Submission:

PreventionGenetics, part of Exact Sciences
Classification: Likely benign for PLXNA2-related condition. Last evaluated: 2023-11-07. Review status: no assertion criteria provided. Collection method: clinical testing. Allele origin: germline.
Comment: This variant is classified as likely benign based on ACMG/AMP sequence variant interpretation guidelines (Richards et al. 2015 PMID: 25741868, with internal and published modifications).

NM_025179.4(PLXNA2):c.102C>G (p.Gly34=)

Gene: PLXNA2 (plexin A2; minus strand). Cytogenetic location: 1q32.2.
Variant type: single nucleotide variant.
Coding change: c.102C>G on transcript NM_025179.4 (MANE Select); coding-DNA position 102, C replaced by G.
Protein change: p.Gly34=; no amino-acid change (glycine 34 retained).
Molecular consequence: synonymous variant.
Genome position (GRCh38, 1-based): chr1:208,217,821, G>C on the plus strand (C>G on the coding strand, the complement: PLXNA2 is on the minus strand). VCF-style: chr1-208217821-G-C. GRCh37 (hg19) VCF-style: chr1-208391166-G-C.
Identifiers: ClinVar variation 3353371 (VCV003353371.1).